The following is an entry in ClinVar:

NM_004104.5(FASN):c.4834C>T (p.Arg1612Cys)

Gene: FASN (fatty acid synthase; minus strand). Cytogenetic location: 17q25.3.
Variant type: single nucleotide variant.
Coding change: c.4834C>T on transcript NM_004104.5 (MANE Select); coding-DNA position 4834, C replaced by T.
Protein change: p.Arg1612Cys; replaces arginine 1612 with cysteine.
Molecular consequence: missense variant.
Genome position (GRCh38, 1-based): chr17:82,084,319, G>A on the plus strand (C>T on the coding strand, the complement: FASN is on the minus strand). VCF-style: chr17-82084319-G-A. GRCh37 (hg19) VCF-style: chr17-80042195-G-A.
Other names: short protein forms R1612C.
Identifiers: ClinVar variation 855497 (VCV000855497.5), dbSNP rs768725656, ClinGen allele CA8851917.

ClinVar aggregate classification (germline): Uncertain significance (1 of 4 stars; one submission).

Conditions:
Epileptic encephalopathy. Identifiers: MedGen C0543888, HP:0200134.

Allele frequency attached by ClinVar (database versions not stated): ExAC 0.00003; gnomAD 0.00003; TOPMed 0.00003; gnomAD exomes 0.00005 and 0.00006.
gnomAD v4.1: 90 of 1,609,922 alleles (0.0056%); highest among the groups gnomAD compares: Admixed American, 0.018%; no homozygotes.

Submission:

Labcorp Genetics (formerly Invitae), Labcorp
Classification: Uncertain significance for Epileptic encephalopathy. Last evaluated: 2023-09-26. Review status: criteria provided, single submitter. Criteria: Invitae Variant Classification Sherloc (09022015). Collection method: clinical testing. Allele origin: germline.
Comment: In summary, the available evidence is currently insufficient to determine the role of this variant in disease. Therefore, it has been classified as a Variant of Uncertain Significance. An algorithm developed to predict the effect of missense changes on protein structure and function (PolyPhen-2) suggests that this variant¬†is likely to be tolerated. ClinVar contains an entry for this variant (Variation ID: 855497). This variant has not been reported in the literature in individuals affected with FASN-related conditions. This variant is present in population databases (rs768725656, gnomAD 0.02%). This sequence change replaces arginine, which is basic and polar, with cysteine, which is neutral and slightly polar, at codon 1612 of the FASN protein (p.Arg1612Cys).